The following is an entry in ClinVar:

ClinVar aggregate classification (germline): Conflicting classifications of pathogenicity. Review status: criteria provided, conflicting classifications (1 of 4 stars). 3 submissions from 3 submitters: Uncertain significance (2); Likely benign (1). Last evaluated 2025-10-23.

Conditions:
Inborn genetic diseases. Identifiers: MedGen C0950123, MeSH D030342.

Allele frequency attached by ClinVar (database versions not stated): gnomAD exomes 0.00001 and 0.00002; ExAC 0.00002; gnomAD 0.00008 and 0.00009; TOPMed 0.00015; 1000 Genomes Project 30x 0.00016; 1000 Genomes Project 0.00020.
gnomAD v4.1: 29 of 1,608,866 alleles (0.0018%); highest among the groups gnomAD compares: Admixed American, 0.024%; no homozygotes.

Submissions (3):

Labcorp Genetics (formerly Invitae), Labcorp
Classification: Uncertain significance. Last evaluated: 2025-10-23. Review status: criteria provided, single submitter. Criteria: Invitae Variant Classification Sherloc (09022015). Collection method: clinical testing. Allele origin: germline.
Comment: This sequence change replaces serine, which is neutral and polar, with phenylalanine, which is neutral and non-polar, at codon 980 of the MACF1 protein (p.Ser980Phe). This variant is present in population databases (rs577233378, gnomAD 0.006%). This variant has not been reported in the literature in individuals affected with MACF1-related conditions. ClinVar contains an entry for this variant (Variation ID: 1690738). An algorithm developed to predict the effect of missense changes on protein structure and function (PolyPhen-2) suggests that this variant is likely to be disruptive. In summary, the available evidence is currently insufficient to determine the role of this variant in disease. Therefore, it has been classified as a Variant of Uncertain Significance.

Ambry Genetics
Classification: Likely benign for Inborn genetic diseases. Last evaluated: 2023-11-03. Review status: criteria provided, single submitter. Criteria: Ambry Variant Classification Scheme 2023. Collection method: clinical testing. Allele origin: germline.

Laboratorio de Genetica e Diagnostico Molecular, Hospital Israelita Albert Einstein
Classification: Uncertain significance. Last evaluated: 2019-12-03. Review status: criteria provided, single submitter. Criteria: ACMG Guidelines, 2015. Collection method: clinical testing. Allele origin: germline. Affected: yes.
Comment: ACMG classification criteria: PM2

NM_001394062.1(MACF1):c.2924C>T (p.Ser975Phe)

Gene: MACF1 (microtubule actin crosslinking factor 1; plus strand). Cytogenetic location: 1p34.3.
Variant type: single nucleotide variant.
Coding change: c.2924C>T on transcript NM_001394062.1 (MANE Select); coding-DNA position 2924, C replaced by T.
Protein change: p.Ser975Phe; replaces serine 975 with phenylalanine.
Molecular consequence: missense variant.
Genome position (GRCh38, 1-based): chr1:39,310,252, C>T. VCF-style: chr1-39310252-C-T. GRCh37 (hg19) VCF-style: chr1-39775924-C-T.
Other names: c.2939C>T, p.Ser980Phe (NM_012090.5); c.2939C>T (NM_012090.4); short protein forms S975F, S980F.
Identifiers: ClinVar variation 1690738 (VCV001690738.4), dbSNP rs577233378, ClinGen allele CA779847.